The following is an entry in ClinVar:

ClinVar aggregate classification (germline): Benign. Review status: criteria provided, multiple submitters, no conflicts (2 of 4 stars). 2 submissions from 2 submitters: Benign (2). Last evaluated 2018-01-13.

Conditions:
Alpha-1-antitrypsin deficiency (A1ATD). Also called: Alpha1-Antitrypsin Deficiency; AAT deficiency; A1AT deficiency. Identifiers: Orphanet 60, MedGen C0221757, MONDO:0013282, OMIM 613490.

Allele frequency attached by ClinVar (database versions not stated): gnomAD exomes 0.20627; 1000 Genomes Project 0.27196; 1000 Genomes Project 30x 0.28139; TOPMed 0.30312; gnomAD 0.30507 and 0.31650.
gnomAD v4.1: 51,758 of 179,074 alleles (29%); highest among the groups gnomAD compares: African/African-American, 56%; 10,064 homozygotes.

Submissions (2):

Illumina Laboratory Services, Illumina
Classification: Benign for Alpha-1-antitrypsin deficiency. Last evaluated: 2018-01-13. Review status: criteria provided, single submitter. Criteria: ICSL Variant Classification Criteria 13 December 2019. Collection method: clinical testing. Allele origin: germline.
Comment: This variant was observed in the ICSL laboratory as part of a predisposition screen in an ostensibly healthy population. It had not been previously curated by ICSL or reported in the Human Gene Mutation Database (HGMD: prior to June 1st, 2018), and was therefore a candidate for classification through an automated scoring system. Utilizing variant allele frequency, disease prevalence and penetrance estimates, and inheritance mode, an automated score was calculated to assess if this variant is too frequent to cause the disease. Based on the score and internal cut-off values, a variant classified as benign is not then subjected to further curation. The score for this variant resulted in a classification of benign for this disease.

Breakthrough Genomics
Classification: Benign. Review status: criteria provided, single submitter. Criteria: ACMG Guidelines, 2015. Collection method: not provided. Allele origin: germline. Inheritance: Autosomal recessive inheritance. Affected: yes.

NM_000295.5(SERPINA1):c.*481G>A

Gene: SERPINA1 (serpin family A member 1; minus strand). Cytogenetic location: 14q32.13.
Variant type: single nucleotide variant.
Coding change: c.*481G>A on transcript NM_000295.5 (MANE Select); 481 bases downstream of the stop codon, G replaced by A.
Molecular consequence: 3 prime UTR variant.
Genome position (GRCh38, 1-based): chr14:94,377,968, C>T on the plus strand (G>A on the coding strand, the complement: SERPINA1 is on the minus strand). VCF-style: chr14-94377968-C-T. GRCh37 (hg19) VCF-style: chr14-94844305-C-T.
Other names: c.*481G>A (NM_001002235.3, NM_001002236.3, NM_001127700.2 and 7 more transcripts).
Identifiers: ClinVar variation 315015 (VCV000315015.6), dbSNP rs1243165, ClinGen allele CA10641350.